The following is an entry in ClinVar:

NM_000414.4(HSD17B4):c.1496T>G (p.Leu499Arg)

Gene: HSD17B4 (hydroxysteroid 17-beta dehydrogenase 4; plus strand). Cytogenetic location: 5q23.1.
Variant type: single nucleotide variant.
Coding change: c.1496T>G on transcript NM_000414.4 (MANE Select); coding-DNA position 1496, T replaced by G.
Protein change: p.Leu499Arg; replaces leucine 499 with arginine.
Molecular consequence: missense variant. On other transcripts: non-coding transcript variant (2).
Genome position (GRCh38, 1-based): chr5:119,515,039, T>G. VCF-style: chr5-119515039-T-G. GRCh37 (hg19) VCF-style: chr5-118850734-T-G.
Other names: c.1571T>G, p.Leu524Arg (NM_001199291.3); c.1442T>G, p.Leu481Arg (NM_001199292.2); c.1424T>G, p.Leu475Arg (NM_001292027.2, NM_001374498.1); c.1076T>G, p.Leu359Arg (NM_001292028.2); c.1487T>G, p.Leu496Arg (NM_001374497.1); c.1169T>G, p.Leu390Arg (NM_001374499.1); c.1055T>G, p.Leu352Arg (NM_001374500.1); c.1085T>G, p.Leu362Arg (NM_001374501.1, NM_001374502.1, NM_001374503.1); short protein forms L352R, L390R, L481R, L359R, L362R, L496R, L524R, L475R.
Identifiers: ClinVar variation 2111235 (VCV002111235.4), dbSNP rs2531841209, ClinGen allele CA360869001.

ClinVar aggregate classification (germline): Uncertain significance (1 of 4 stars; one submission).

Conditions:
Perrault syndrome. Also called: Gonadal dysgenesis with auditory dysfunction, autosomal recessive inheritance. Identifiers: Orphanet 2855, MedGen C0685838, MONDO:0017312.
Bifunctional peroxisomal enzyme deficiency (DBIF). Also called: DBP DEFICIENCY; D-bifunctional protein deficiency; PBFE DEFICIENCY. Identifiers: Orphanet 300, MedGen C0342870, MONDO:0009855, OMIM 261515. Disease mechanism: loss of function.

Submission:

Labcorp Genetics (formerly Invitae), Labcorp
Classification: Uncertain significance for Perrault syndrome; Bifunctional peroxisomal enzyme deficiency. Last evaluated: 2022-04-04. Review status: criteria provided, single submitter. Criteria: Invitae Variant Classification Sherloc (09022015). Collection method: clinical testing. Allele origin: germline.
Comment: In summary, the available evidence is currently insufficient to determine the role of this variant in disease. Therefore, it has been classified as a Variant of Uncertain Significance. Advanced modeling of protein sequence and biophysical properties (such as structural, functional, and spatial information, amino acid conservation, physicochemical variation, residue mobility, and thermodynamic stability) performed at Invitae indicates that this missense variant is not expected to disrupt HSD17B4 protein function. This variant has not been reported in the literature in individuals affected with HSD17B4-related conditions. This variant is not present in population databases (gnomAD no frequency). This sequence change replaces leucine, which is neutral and non-polar, with arginine, which is basic and polar, at codon 499 of the HSD17B4 protein (p.Leu499Arg).